The following is an entry in ClinVar:

ClinVar aggregate classification (germline): Uncertain significance (1 of 4 stars; one submission).

Conditions:
Multiple endocrine neoplasia type 4. Also called: MULTIPLE ENDOCRINE NEOPLASIA, TYPE IV. Identifiers: Orphanet 276152, MedGen C1970712, MONDO:0012552, OMIM 610755.

Submission:

Labcorp Genetics (formerly Invitae), Labcorp
Classification: Uncertain significance for Multiple endocrine neoplasia type 4. Last evaluated: 2023-10-28. Review status: criteria provided, single submitter. Criteria: Invitae Variant Classification Sherloc (09022015). Collection method: clinical testing. Allele origin: germline.
Comment: This sequence change replaces glutamine, which is neutral and polar, with histidine, which is basic and polar, at codon 77 of the CDKN1B protein (p.Gln77His). This variant is not present in population databases (gnomAD no frequency). This variant has not been reported in the literature in individuals affected with CDKN1B-related conditions. An algorithm developed to predict the effect of missense changes on protein structure and function (PolyPhen-2) suggests that this variant is likely to be disruptive. In summary, the available evidence is currently insufficient to determine the role of this variant in disease. Therefore, it has been classified as a Variant of Uncertain Significance.

NM_004064.5(CDKN1B):c.231A>T (p.Gln77His)

Gene: CDKN1B (cyclin dependent kinase inhibitor 1B; plus strand). Cytogenetic location: 12p13.1.
Variant type: single nucleotide variant.
Coding change: c.231A>T on transcript NM_004064.5 (MANE Select); coding-DNA position 231, A replaced by T.
Protein change: p.Gln77His; replaces glutamine 77 with histidine.
Molecular consequence: missense variant.
Genome position (GRCh38, 1-based): chr12:12,718,070, A>T. VCF-style: chr12-12718070-A-T. GRCh37 (hg19) VCF-style: chr12-12871004-A-T.
Other names: short protein forms Q77H.
Identifiers: ClinVar variation 2772205 (VCV002772205.3), dbSNP rs2136355853, ClinGen allele CA383969675.